The following is an entry in ClinVar:

ClinVar aggregate classification (germline): Conflicting classifications of pathogenicity. Review status: criteria provided, conflicting classifications (1 of 4 stars). 2 submissions from 2 submitters: Uncertain significance (1); Likely benign (1). Last evaluated 2025-10-10.

Allele frequency attached by ClinVar (database versions not stated): gnomAD below 0.00001 and 0.00001; gnomAD exomes 0.00004 and 0.00010; ExAC 0.00014.

Submissions (2):

Athena Diagnostics
Classification: Uncertain significance. Last evaluated: 2025-10-10. Review status: criteria provided, single submitter. Criteria: Athena Diagnostics Criteria. Collection method: clinical testing. Allele origin: unknown.
Comment: Available data are insufficient to determine the clinical significance of the variant at this time. The frequency of this variant in the general population is higher than would generally be expected for pathogenic variants in this gene. Polyphen and MutationTaster yielded discordant predictions regarding whether this amino acid change is damaging to the protein.

GeneDx
Classification: Likely benign. Last evaluated: 2017-03-06. Review status: criteria provided, single submitter. Criteria: GeneDx Variant Classification (06012015). Collection method: clinical testing. Allele origin: germline. Affected: yes.
Comment: This variant is considered likely benign or benign based on one or more of the following criteria: it is a conservative change, it occurs at a poorly conserved position in the protein, it is predicted to be benign by multiple in silico algorithms, and/or has population frequency not consistent with disease.

Literature cited by the submitters: PubMed 39632905 (cited by Athena Diagnostics).

NM_001267550.2(TTN):c.55420G>A (p.Val18474Ile)

Genes: TTN (titin; minus strand), TTN-AS1 (TTN antisense RNA 1; plus strand). Cytogenetic location: 2q31.2.
Variant type: single nucleotide variant.
Coding change: c.55420G>A on transcript NM_001267550.2 (MANE Select); coding-DNA position 55420, G replaced by A.
Protein change: p.Val18474Ile; replaces valine 18474 with isoleucine.
Molecular consequence: missense variant.
Genome position (GRCh38, 1-based): chr2:178,601,670, C>T on the plus strand (G>A on the coding strand, the complement: TTN is on the minus strand). VCF-style: chr2-178601670-C-T. GRCh37 (hg19) VCF-style: chr2-179466397-C-T.
Other names: c.55420G>A (NM_001267550.1); c.50497G>A, p.Val16833Ile (NM_001256850.1); c.28225G>A, p.Val9409Ile (NM_003319.4); c.47716G>A, p.Val15906Ile (NM_133378.4); c.28600G>A, p.Val9534Ile (NM_133432.3); c.28801G>A, p.Val9601Ile (NM_133437.4); short protein forms V16833I, V18474I, V15906I, V9409I, V9534I, V9601I.
Identifiers: ClinVar variation 507769 (VCV000507769.2), dbSNP rs779583004, ClinGen allele CA1993460.